The following is an entry in ClinVar:

NM_001364140.2(CSNK1G3):c.1353C>T (p.Thr451=)

Gene: CSNK1G3 (casein kinase 1 gamma 3; plus strand). Cytogenetic location: 5q23.2.
Variant type: single nucleotide variant.
Coding change: c.1353C>T on transcript NM_001364140.2 (MANE Select); coding-DNA position 1353, C replaced by T.
Protein change: p.Thr451=; no amino-acid change (threonine 451 retained).
Molecular consequence: synonymous variant.
Genome position (GRCh38, 1-based): chr5:123,614,378, C>T. VCF-style: chr5-123614378-C-T. GRCh37 (hg19) VCF-style: chr5-122950072-C-T.
Other names: c.1254C>T, p.Thr418= (NM_001031812.4); c.1350C>T, p.Thr450= (NM_001044723.3); c.1257C>T, p.Thr419= (NM_001270572.2); c.1029C>T, p.Thr343= (NM_001270573.2, NM_001364149.2, NM_001364150.2); c.918C>T, p.Thr306= (NM_001270574.2); c.1329C>T, p.Thr443= (NM_001364141.2); c.1233C>T, p.Thr411= (NM_001364143.2); c.1125C>T, p.Thr375= (NM_001364144.2); and 5 more.
Identifiers: ClinVar variation 3048750 (VCV003048750.2), dbSNP rs143856483, ClinGen allele CA3387816.

ClinVar aggregate classification (germline): Likely benign (0 of 4 stars; one submission).

Conditions:
CSNK1G3-related disorder. Also called: CSNK1G3-related condition.

Allele frequency attached by ClinVar (database versions not stated): 1000 Genomes Project 0.00040; ExAC 0.00040; 1000 Genomes Project 30x 0.00047; TOPMed 0.00059; gnomAD 0.00068; gnomAD exomes 0.00071; ESP Exome Variant Server 0.00085.
gnomAD v4.1: 1,137 of 1,612,990 alleles (0.07%); highest among the groups gnomAD compares: Middle Eastern, 0.099%; 1 homozygote.

Submission:

PreventionGenetics, part of Exact Sciences
Classification: Likely benign for CSNK1G3-related condition. Last evaluated: 2019-12-09. Review status: no assertion criteria provided. Collection method: clinical testing. Allele origin: germline.
Comment: This variant is classified as likely benign based on ACMG/AMP sequence variant interpretation guidelines (Richards et al. 2015 PMID: 25741868, with internal and published modifications).